The following is an entry in ClinVar:

NM_031407.7(HUWE1):c.1445C>T (p.Pro482Leu)

Gene: HUWE1 (HECT, UBA and WWE domain containing E3 ubiquitin protein ligase 1; minus strand). Cytogenetic location: Xp11.22.
Variant type: single nucleotide variant.
Coding change: c.1445C>T on transcript NM_031407.7 (MANE Select); coding-DNA position 1445, C replaced by T.
Protein change: p.Pro482Leu; replaces proline 482 with leucine.
Molecular consequence: missense variant.
Genome position (GRCh38, 1-based): chrX:53,627,454, G>A on the plus strand (C>T on the coding strand, the complement: HUWE1 is on the minus strand). VCF-style: chrX-53627454-G-A. GRCh37 (hg19) VCF-style: chrX-53654405-G-A.
Other names: short protein forms P482L.
Identifiers: ClinVar variation 1698923 (VCV001698923.2), dbSNP rs2066586691, ClinGen allele CA413153961.

ClinVar aggregate classification (germline): Uncertain significance (1 of 4 stars; one submission).

Conditions:
Intellectual developmental disorder, X-linked, syndromic, Turner type. Also called: X-linked intellectual disability, Turner type; Intellectual disability, X-linked syndromic, Turner type. Identifiers: Orphanet 3056, Orphanet 85328, MedGen C2678046, MONDO:0010407, OMIM 309590.

Allele frequency attached by ClinVar (database versions not stated): gnomAD exomes below 0.00001.
gnomAD v4.1: 3 of 1,199,781 alleles (0.00025%); highest among the groups gnomAD compares: South Asian, 0.0053%; no homozygotes.

Submission:

Genetics and Molecular Pathology, SA Pathology
Classification: Uncertain significance for Intellectual developmental disorder, X-linked, syndromic, Turner type. Last evaluated: 2020-10-29. Review status: criteria provided, single submitter. Criteria: ACMG Guidelines, 2015. Collection method: clinical testing. Allele origin: germline. Inheritance: X-linked inheritance. Affected: yes.
Comment: The HUWE1 c.1445C>T missense variant is classified as a VARIANT OF UNCERTAIN SIGNIFICANCE (PM2, PP3) The HUWE1 c.1445C>T missense variant is a single nucleotide change in exon 17 of the HUWE1 gene, which is predicted to change the amino acid proline at position 482 in the protein to leucine. This variant has not been reported in dbSNP and is absent from population databases (PM2). This variant has not been reported in the ClinVar of HGMD disease databases. Computational predictions support a deleterious effect on the gene or gene product (PP3).